The following is an entry in ClinVar:

NM_014014.5(SNRNP200):c.4728C>T (p.Ile1576=)

Gene: SNRNP200 (small nuclear ribonucleoprotein U5 subunit 200; minus strand). Cytogenetic location: 2q11.2.
Variant type: single nucleotide variant.
Coding change: c.4728C>T on transcript NM_014014.5 (MANE Select); coding-DNA position 4728, C replaced by T.
Protein change: p.Ile1576=; no amino-acid change (isoleucine 1576 retained).
Molecular consequence: synonymous variant.
Genome position (GRCh38, 1-based): chr2:96,283,570, G>A on the plus strand (C>T on the coding strand, the complement: SNRNP200 is on the minus strand). VCF-style: chr2-96283570-G-A. GRCh37 (hg19) VCF-style: chr2-96949308-G-A.
Identifiers: ClinVar variation 337539 (VCV000337539.15), dbSNP rs377641548, ClinGen allele CA1778153.

ClinVar aggregate classification (germline): Conflicting classifications of pathogenicity. Review status: criteria provided, conflicting classifications (1 of 4 stars). 5 submissions from 5 submitters: Uncertain significance (2); Likely benign (2). 1 of the submissions does not count toward it. Last evaluated 2024-11-14.

Conditions:
Retinitis pigmentosa (RP). Identifiers: Orphanet 791, MedGen C0035334, MeSH D012174, MONDO:0019200, OMIM 268000. Inheritance: Autosomal dominant, autosomal recessive and X linked inheritance.
SNRNP200-related disorder. Also called: SNRNP200-related condition.

Allele frequency attached by ClinVar (database versions not stated): gnomAD 0.00004; TOPMed 0.00004; gnomAD exomes 0.00007 and 0.00016; ESP Exome Variant Server 0.00008; ExAC 0.00031.
gnomAD v4.1: 116 of 1,614,038 alleles (0.0072%); highest among the groups gnomAD compares: Non-Finnish European, 0.0089%; no homozygotes.

Submissions (5):

Blueprint Genetics
Classification: Likely benign. Last evaluated: 2024-11-14. Review status: criteria provided, single submitter. Criteria: ACMG Guidelines, 2015. Collection method: clinical testing. Allele origin: germline.

Labcorp Genetics (formerly Invitae), Labcorp
Classification: Likely benign. Last evaluated: 2022-07-01. Review status: criteria provided, single submitter. Criteria: Invitae Variant Classification Sherloc (09022015). Collection method: clinical testing. Allele origin: germline.

Illumina Laboratory Services, Illumina
Classification: Uncertain significance for Retinitis pigmentosa. Last evaluated: 2018-01-13. Review status: criteria provided, single submitter. Criteria: ICSL Variant Classification Criteria 13 December 2019. Collection method: clinical testing. Allele origin: germline.

Eurofins Ntd Llc (ga)
Classification: Uncertain significance. Last evaluated: 2016-12-09. Review status: criteria provided, single submitter. Criteria: EGL Classification Definitions 2015. Collection method: clinical testing. Allele origin: germline. Observed: 1 variant allele, 1 heterozygote.

PreventionGenetics, part of Exact Sciences
Classification: Likely benign for SNRNP200-related condition. Last evaluated: 2024-08-25. Review status: no assertion criteria provided. Collection method: clinical testing. Allele origin: germline. Not counted in ClinVar's aggregate classification.
Comment: This variant is classified as likely benign based on ACMG/AMP sequence variant interpretation guidelines (Richards et al. 2015 PMID: 25741868, with internal and published modifications).